The following is an entry in ClinVar:

ClinVar aggregate classification (germline): Pathogenic/Likely pathogenic. Review status: criteria provided, multiple submitters, no conflicts (2 of 4 stars). 7 submissions from 7 submitters: Pathogenic (4); Likely pathogenic (1). 2 of the submissions do not count toward it. Last evaluated 2026-07-29.

Conditions:
C6-related disorders.
C6-related disorder. Also called: C6-related condition.
Complement component 6 deficiency (C6D). Also called: C6 DEFICIENCY. Identifiers: MedGen C2676232, MONDO:0012908, OMIM 612446.

Allele frequency attached by ClinVar (database versions not stated): 1000 Genomes Project 30x 0.00047; ExAC 0.00054; gnomAD 0.00123 and 0.00131; TOPMed 0.00125; ESP Exome Variant Server 0.00200; 1000 Genomes Project 0.00060; gnomAD exomes 0.00021 and 0.00042.

Submissions (7):

GeneDx
Classification: Pathogenic. Last evaluated: 2026-07-29. Review status: criteria provided, single submitter. Criteria: GeneDx Variant Classification Process June 2021. Collection method: clinical testing. Allele origin: germline.
Comment: Frameshift variant predicted to result in protein truncation or nonsense mediated decay in a gene for which loss of function is a known mechanism of disease; Described as c.878delA by alternate nomenclature; This variant is associated with the following publications: (PMID: 23537992, 29431110, 28368462, 10632659, 22288589, 10632667, 22668955, 12653841, 17257682, 29474263)

Labcorp Genetics (formerly Invitae), Labcorp
Classification: Pathogenic. Last evaluated: 2026-01-21. Review status: criteria provided, single submitter. Criteria: Invitae Variant Classification Sherloc (09022015). Collection method: clinical testing. Allele origin: germline.
Comment: This sequence change creates a premature translational stop signal (p.Gln274Argfs*46) in the C6 gene. It is expected to result in an absent or disrupted protein product. Loss-of-function variants in C6 are known to be pathogenic (PMID: 17257682). This variant is present in population databases (rs557023458, gnomAD 0.4%), and has an allele count higher than expected for a pathogenic variant. This premature translational stop signal has been observed in individual(s) with complement component C6 deficiency (PMID: 10632667, 22288589, 23537992). This variant is also known as 878delA. ClinVar contains an entry for this variant (Variation ID: 1458860). For these reasons, this variant has been classified as Pathogenic.

Blueprint Genetics
Classification: Pathogenic for C6-related disorders. Last evaluated: 2024-11-07. Review status: criteria provided, single submitter. Criteria: ACMG Guidelines, 2015. Collection method: clinical testing. Allele origin: germline. Affected: yes. Observed: 5 variant alleles.

Laboratory for Molecular Medicine, Mass General Brigham Personalized Medicine
Classification: Pathogenic for Complement component 6 deficiency. Last evaluated: 2023-08-16. Review status: criteria provided, single submitter. Criteria: ACMG Guidelines, 2015. Collection method: clinical testing. Allele origin: germline. Inheritance: Autosomal recessive inheritance.
Comment: The p.Gln274ArgfsX46 variant in C6 (also reported as c.878delA in the literature) has been reported in 3 homozygous and 3 compound heterozygous individuals with complement component C6 deficiency and susceptibility to Neisseria infections or recurrent infections and segregated with C6 deficiency in 2 affected relatives from 1 family, though none of these individuals presented with a history of infections and were asymptomatic at the time of reporting (Zhu 2000 PMID: 10632667, Parham 2007 PMID: 17257682, Moya-Quiles 2013 PMID: 23537992, Dragon-Durey 2003 PMID: 12653841). This variant has also been reported by other clinical laboratories in ClinVar (Variation ID 1458860) and has been identified in 0.4% (166/41442) of African chromosomes by gnomAD (v.3.1.2). This variant is predicted to cause a frameshift, which alters the protein’s amino acid sequence beginning at position 274 and leads to a premature termination codon 46 amino acids downstream. This alteration is then predicted to lead to a truncated or absent protein. Biallelic loss of function of the C6 gene is an established disease mechanism in autosomal recessive complement component 6 deficiency, which is associated with susceptibility to Neisseria infections, including meningitis. In summary, this variant meets criteria to be classified as pathogenic for autosomal recessive complement component 6 deficiency. ACMG/AMP Criteria applied: PVS1, PM3_Strong.

Fulgent Genetics
Classification: Likely pathogenic for Complement component 6 deficiency. Last evaluated: 2022-04-08. Review status: criteria provided, single submitter. Criteria: ACMG Guidelines, 2015. Collection method: clinical testing. Allele origin: unknown.

PreventionGenetics, part of Exact Sciences
Classification: Pathogenic for C6-related condition. Last evaluated: 2024-01-23. Review status: no assertion criteria provided. Collection method: clinical testing. Allele origin: germline. Not counted in ClinVar's aggregate classification.
Comment: The C6 c.821delA variant is predicted to result in a frameshift and premature protein termination (p.Gln274Argfs*46). This variant has been reported in the homozygous or compound heterozygous state in patients with C6 deficiency and is particularly frequent among African-Americans affected with C6 deficiency (aka c.878delA, Zhu et al. 2000. PubMed ID: 10632667; Moya-Quiles et al. 2013. PubMed ID: 23537992; Orren et al. 2012. PubMed ID: 22288589; Parham et al. 2007. PubMed ID: 17257682). This variant is reported in 0.39% of alleles in individuals of African descent in gnomAD. Frameshift variants in C6 are expected to be pathogenic. This variant is interpreted as pathogenic.

OMIM
Classification: Pathogenic for C6 DEFICIENCY. Last evaluated: 1998-01-01. Review status: no assertion criteria provided. Collection method: literature only. Allele origin: germline. Not counted in ClinVar's aggregate classification.

Literature cited by the submitters: PubMed 17257682 (cited by Labcorp Genetics (formerly Invitae), Labcorp and Laboratory for Molecular Medicine, Mass General Brigham Personalized Medicine); PubMed 10632667 (cited by Labcorp Genetics (formerly Invitae), Labcorp and Laboratory for Molecular Medicine, Mass General Brigham Personalized Medicine); PubMed 22288589 (cited by Labcorp Genetics (formerly Invitae), Labcorp); PubMed 23537992 (cited by Labcorp Genetics (formerly Invitae), Labcorp and Laboratory for Molecular Medicine, Mass General Brigham Personalized Medicine); PubMed 12653841 (cited by Laboratory for Molecular Medicine, Mass General Brigham Personalized Medicine); PubMed 9472666 (cited by OMIM).

NM_000065.5(C6):c.821del (p.Gln274fs)

Gene: C6 (complement C6; minus strand). Cytogenetic location: 5p13.1.
Variant type: Deletion.
Coding change: c.821del on transcript NM_000065.5 (MANE Select); coding-DNA position 821, one base deleted (A; older notation c.821delA).
Protein change: p.Gln274fs; shifts the reading frame from glutamine 274.
Molecular consequence: frameshift variant.
Genome position (GRCh38, 1-based): chr5:41,181,465, T deleted on the plus strand (A on the coding strand, the reverse complement: C6 is on the minus strand). VCF-style (leftmost placement, unchanged base first): chr5-41181464-CT-C. GRCh37 (hg19) VCF-style: chr5-41181566-CT-C.
Other names: C6, 1-BP DEL, 878A; c.821del, p.Gln274fs (NM_001115131.4); c.821del (NM_000065.3); short protein forms Q274fs.
Identifiers: ClinVar variation 1458860 (VCV001458860.13), dbSNP rs557023458, ClinGen allele CA3252647.
Genomic context (GRCh38, chr5:41,181,464, plus strand): 5'-GTTGATATTTTCACTTCTCTTTGAGGAATAAAAAATTGGTACACTGAAAGAGCTCCCCCC[CT>C]GACTTGAGAATGAGCCTTGTTGATTTTCATTGTGTCCAAGAGAAGTTAAATCCTTGTAGA-3'